The following is an entry in ClinVar:

NM_006904.7(PRKDC):c.9313A>G (p.Asn3105Asp)

Gene: PRKDC (protein kinase, DNA-activated, catalytic subunit; minus strand). Cytogenetic location: 8q11.21.
Variant type: single nucleotide variant.
Coding change: c.9313A>G on transcript NM_006904.7 (MANE Select); coding-DNA position 9313, A replaced by G.
Protein change: p.Asn3105Asp; replaces asparagine 3105 with aspartic acid.
Molecular consequence: missense variant.
Genome position (GRCh38, 1-based): chr8:47,820,742, T>C on the plus strand (A>G on the coding strand, the complement: PRKDC is on the minus strand). VCF-style: chr8-47820742-T-C. GRCh37 (hg19) VCF-style: chr8-48733303-T-C.
Other names: c.9313A>G, p.Asn3105Asp (NM_001081640.2); short protein forms N3105D.
Identifiers: ClinVar variation 1766550 (VCV001766550.2), dbSNP rs2551865333, ClinGen allele CA371139306.
Genomic context (GRCh38, chr8:47,820,742, plus strand): 5'-ATATATACAAGCATATATATATAATATATAGTATTACCTGCATAAAACTCTGAATGCCAT[T>C]TTGAATGTAATATTTGGCTCTGTCAACATCATCTTGCAGGAGGTAAAGCAGACTCAGCTC-3'
Protein context (NP_008835.5, residues 3095-3115): DVDRAKYYIQ[Asn3105Asp]GIQSFMQNYS

ClinVar aggregate classification (germline): Uncertain significance (1 of 4 stars; one submission).

Submission:

Ambry Genetics
Classification: Uncertain significance. Last evaluated: 2021-12-04. Review status: criteria provided, single submitter. Criteria: Ambry Variant Classification Scheme 2023. Collection method: clinical testing. Allele origin: germline.
Comment: The p.N3105D variant (also known as c.9313A>G), located in coding exon 66 of the PRKDC gene, results from an A to G substitution at nucleotide position 9313. The asparagine at codon 3105 is replaced by aspartic acid, an amino acid with highly similar properties. This amino acid position is conserved. In addition, this alteration is predicted to be tolerated by in silico analysis. Since supporting evidence is limited at this time, the clinical significance of this alteration remains unclear.